The following is an entry in ClinVar:

NM_018834.6(MATR3):c.1654T>A (p.Cys552Ser)

Gene: MATR3 (matrin 3; plus strand). Cytogenetic location: 5q31.2.
Variant type: single nucleotide variant.
Coding change: c.1654T>A on transcript NM_018834.6 (MANE Select); coding-DNA position 1654, T replaced by A.
Protein change: p.Cys552Ser; replaces cysteine 552 with serine.
Molecular consequence: missense variant.
Genome position (GRCh38, 1-based): chr5:139,321,949, T>A. VCF-style: chr5-139321949-T-A. GRCh37 (hg19) VCF-style: chr5-138657638-T-A.
Other names: c.1654T>A, p.Cys552Ser (NM_001194954.2, NM_001194955.2, NM_199189.3); c.790T>A, p.Cys264Ser (NM_001194956.2); c.640T>A, p.Cys214Ser (NM_001282278.2); short protein forms C552S, C214S, C264S.
Identifiers: ClinVar variation 1418670 (VCV001418670.8), dbSNP rs2152007192, ClinGen allele CA361142833.
Genomic context (GRCh38, chr5:139,321,949, plus strand): 5'-CTTTTTAAGGCTTTTATTGAGATGGAGACAAGAGAAGATGCAATGGCAATGGTTGACCAT[T>A]GTTTGAAAAAAGCCCTTTGGTTTCAGGGGAGATGTGTGAAGGTTGACCTGTCTGAGAAAT-3'
Protein context (NP_061322.2, residues 542-562): REDAMAMVDH[Cys552Ser]LKKALWFQGR

ClinVar aggregate classification (germline): Uncertain significance (1 of 4 stars; one submission).

Conditions:
Amyotrophic lateral sclerosis type 21. Also called: MYOPATHY, DISTAL, 2; VOCAL CORD AND PHARYNGEAL DYSFUNCTION WITH DISTAL MYOPATHY. Identifiers: Orphanet 600, Orphanet 803, MedGen C3807521, MONDO:0011632, OMIM 606070.

Submission:

Labcorp Genetics (formerly Invitae), Labcorp
Classification: Uncertain significance for Amyotrophic lateral sclerosis type 21. Last evaluated: 2021-05-31. Review status: criteria provided, single submitter. Criteria: Invitae Variant Classification Sherloc (09022015). Collection method: clinical testing. Allele origin: germline.
Comment: In summary, the available evidence is currently insufficient to determine the role of this variant in disease. Therefore, it has been classified as a Variant of Uncertain Significance. Algorithms developed to predict the effect of sequence changes on RNA splicing suggest that this variant may create or strengthen a splice site, but this prediction has not been confirmed by published transcriptional studies. Algorithms developed to predict the effect of missense changes on protein structure and function (SIFT, PolyPhen-2, Align-GVGD) all suggest that this variant is likely to be disruptive, but these predictions have not been confirmed by published functional studies and their clinical significance is uncertain. This variant has not been reported in the literature in individuals with MATR3-related conditions. This variant is not present in population databases (ExAC no frequency). This sequence change replaces cysteine with serine at codon 552 of the MATR3 protein (p.Cys552Ser). The cysteine residue is highly conserved and there is a moderate physicochemical difference between cysteine and serine.